The following is an entry in ClinVar:

ClinVar aggregate classification (germline): Likely benign. Review status: criteria provided, multiple submitters, no conflicts (2 of 4 stars). 3 submissions from 3 submitters: Likely benign (3). Last evaluated 2025-07-06.

Conditions:
Spastic paraplegia. Identifiers: MedGen C0037772, HP:0001258.

Allele frequency attached by ClinVar (database versions not stated): gnomAD 0.00001; gnomAD exomes 0.00002; ExAC 0.00003; 1000 Genomes Project 30x 0.00016; 1000 Genomes Project 0.00020.

Submissions (3):

Labcorp Genetics (formerly Invitae), Labcorp
Classification: Likely benign for Spastic paraplegia. Last evaluated: 2025-07-06. Review status: criteria provided, single submitter. Criteria: Invitae Variant Classification Sherloc (09022015). Collection method: clinical testing. Allele origin: germline.

Blueprint Genetics
Classification: Likely benign. Last evaluated: 2022-12-23. Review status: criteria provided, single submitter. Criteria: ACMG Guidelines, 2015. Collection method: clinical testing. Allele origin: germline.

CeGaT Center for Human Genetics Tuebingen
Classification: Likely benign. Last evaluated: 2022-04-01. Review status: criteria provided, single submitter. Criteria: CeGaT Center For Human Genetics Tuebingen Variant Classification Criteria Version 2. Collection method: clinical testing. Allele origin: germline. Affected: yes. Observed: 1 variant allele.
Comment: ZFYVE26: BP4, BP7

NM_015346.4(ZFYVE26):c.2529C>T (p.Arg843=)

Gene: ZFYVE26 (zinc finger FYVE-type containing 26; minus strand). Cytogenetic location: 14q24.1.
Variant type: single nucleotide variant.
Coding change: c.2529C>T on transcript NM_015346.4 (MANE Select); coding-DNA position 2529, C replaced by T.
Protein change: p.Arg843=; no amino-acid change (arginine 843 retained).
Molecular consequence: synonymous variant.
Genome position (GRCh38, 1-based): chr14:67,793,632, G>A on the plus strand (C>T on the coding strand, the complement: ZFYVE26 is on the minus strand). VCF-style: chr14-67793632-G-A. GRCh37 (hg19) VCF-style: chr14-68260349-G-A.
Identifiers: ClinVar variation 1161906 (VCV001161906.34), dbSNP rs537194634, ClinGen allele CA7240252.
Genomic context (GRCh38, chr14:67,793,632, plus strand): 5'-TCATTCAGGGGCTGAAAAGGTATGGCCTCCCCTCACCTGATGGGCTTCTGCGAAGTTCCC[G>A]CGAAGGATGCAGGATGCCAGCAGTGACTCAGGTGGGGAGAACATCATGGGGATGAGTGAA-3'
Protein context (NP_056161.2, residues 833-853): PESLLASCIL[Arg843=]GNFAEAHQVL